The following is an entry in ClinVar:

NM_001018113.3(FANCB):c.331A>G (p.Ile111Val)

Gene: FANCB (FA complementation group B; minus strand). Cytogenetic location: Xp22.2.
Variant type: single nucleotide variant.
Coding change: c.331A>G on transcript NM_001018113.3 (MANE Select); coding-DNA position 331, A replaced by G.
Protein change: p.Ile111Val; replaces isoleucine 111 with valine.
Molecular consequence: missense variant.
Genome position (GRCh38, 1-based): chrX:14,865,180, T>C on the plus strand (A>G on the coding strand, the complement: FANCB is on the minus strand). VCF-style: chrX-14865180-T-C. GRCh37 (hg19) VCF-style: chrX-14883302-T-C.
Other names: c.331A>G, p.Ile111Val (NM_001324162.2, NM_001410764.1, NM_152633.4); short protein forms I111V.
Identifiers: ClinVar variation 2199734 (VCV002199734.1), dbSNP rs1462812783, ClinGen allele CA412444750.

ClinVar aggregate classification (germline): Uncertain significance (1 of 4 stars; one submission).

Conditions:
Fanconi anemia (FA). Also called: Fanconi's anemia. Identifiers: Orphanet 84, MedGen C0015625, MeSH D005199, MONDO:0019391.

Allele frequency attached by ClinVar (database versions not stated): gnomAD exomes below 0.00001; TOPMed below 0.00001.
gnomAD v4.1: 3 of 1,169,078 alleles (0.00026%); highest among the groups gnomAD compares: East Asian, 0.003%; no homozygotes.

Submission:

Labcorp Genetics (formerly Invitae), Labcorp
Classification: Uncertain significance for Fanconi anemia. Last evaluated: 2022-10-18. Review status: criteria provided, single submitter. Criteria: Invitae Variant Classification Sherloc (09022015). Collection method: clinical testing. Allele origin: germline.
Comment: This sequence change replaces isoleucine, which is neutral and non-polar, with valine, which is neutral and non-polar, at codon 111 of the FANCB protein (p.Ile111Val). The frequency data for this variant in the population databases is considered unreliable, as metrics indicate poor data quality at this position in the gnomAD database. This variant has not been reported in the literature in individuals affected with FANCB-related conditions. Advanced modeling of protein sequence and biophysical properties (such as structural, functional, and spatial information, amino acid conservation, physicochemical variation, residue mobility, and thermodynamic stability) performed at Invitae indicates that this missense variant is not expected to disrupt FANCB protein function. In summary, the available evidence is currently insufficient to determine the role of this variant in disease. Therefore, it has been classified as a Variant of Uncertain Significance.